The following is an entry in ClinVar:

NM_007294.4(BRCA1):c.117T>G (p.Cys39Trp)

Gene: BRCA1 (BRCA1 DNA repair associated; minus strand). Cytogenetic location: 17q21.31.
Variant type: single nucleotide variant.
Coding change: c.117T>G on transcript NM_007294.4 (MANE Select); coding-DNA position 117, T replaced by G.
Protein change: p.Cys39Trp; replaces cysteine 39 with tryptophan.
Molecular consequence: missense variant. On other transcripts: non-coding transcript variant (1), intron variant (1).
Genome position (GRCh38, 1-based): chr17:43,115,743, A>C on the plus strand (T>G on the coding strand, the complement: BRCA1 is on the minus strand). VCF-style: chr17-43115743-A-C. GRCh37 (hg19) VCF-style: chr17-41267760-A-C.
Other names: c.117T>G, p.Cys39Trp (NM_001407940.1, NM_001407941.1, NM_001407968.1 and 192 more transcripts); c.-141T>G (NM_001407942.1, NM_001408455.1, NM_001408456.1 and 13 more transcripts); c.-25T>G (NM_001407943.1, NM_001407944.1, NM_001407964.1 and 47 more transcripts); c.-72T>G (NM_001407946.1, NM_001407947.1, NM_001407948.1 and 52 more transcripts); c.-187T>G (NM_001407960.1, NM_001407962.1, NM_001408510.1 and 1 more transcripts); c.-303T>G (NM_001407965.1); c.-145T>G (NM_001408465.1, NM_001407695.1); c.-188T>G (NM_001408492.1, NM_001407889.1, NM_001407900.1); and 2 more; short protein forms C39W.
Identifiers: ClinVar variation 267497 (VCV000267497.17), dbSNP rs886040898, ClinGen allele CA10601925.

ClinVar aggregate classification (germline): Pathogenic. Review status: criteria provided, multiple submitters, no conflicts (2 of 4 stars). 2 submissions from 2 submitters: Pathogenic (2). Last evaluated 2019-01-30.

Conditions:
Hereditary breast ovarian cancer syndrome. Also called: Hereditary breast and ovarian cancer syndrome (HBOC); Breast and ovarian cancer; Hereditary breast and ovarian cancer syndrome; Hereditary breast and ovarian cancer; BRCA1- and BRCA2-Associated Hereditary Breast and Ovarian Cancer; Hereditary breast and/or ovarian cancer syndrome. Identifiers: Orphanet 145, MedGen C0677776, MeSH D061325, MONDO:0003582. Disease mechanism: loss of function.
Breast-ovarian cancer, familial, susceptibility to, 1 (BROVCA1). Also called: BRCA1 Hereditary Breast and Ovarian Cancer; OVARIAN CANCER, SUSCEPTIBILITY TO. Identifiers: Orphanet 145, MedGen C2676676, MONDO:0011450, OMIM 604370. Disease mechanism: loss of function.

Submissions (3):

Labcorp Genetics (formerly Invitae), Labcorp
Classification: Pathogenic for Hereditary breast ovarian cancer syndrome. Last evaluated: 2019-01-30. Review status: criteria provided, single submitter. Criteria: Invitae Variant Classification Sherloc (09022015). Collection method: clinical testing. Allele origin: germline.
Comment: For these reasons, this variant has been classified as Pathogenic. This variant disrupts the p.Cys39 amino acid residue in BRCA1, one of eight highly-conserved Cys/His residues in the N-terminal RING domain (PMID: 22843421). Other variant(s) that disrupt this residue have been observed in individuals with BRCA1-related conditions (PMID: 21232165, 23397983, 23683081, 17262179, 15024741, 18489799), suggesting that it is a clinically significant residue. As a result, variants that disrupt this residue are likely to be causative of disease. This variant has been reported to affect BRCA1 protein function (PMID: 25823446, 30209399). This variant has been observed in two families affected with breast and/or ovarian cancer (PMID: 22762150). It has also been reported in individuals in the Leiden Open-source Variation Database (PMID: 21520333). ClinVar contains an entry for this variant (Variation ID: 267497). This variant is not present in population databases (ExAC no frequency). This sequence change replaces cysteine with tryptophan at codon 39 of the BRCA1 protein (p.Cys39Trp). The cysteine residue is highly conserved and there is a large physicochemical difference between cysteine and tryptophan.

Consortium of Investigators of Modifiers of BRCA1/2 (CIMBA), c/o University of Cambridge
Classification: Pathogenic for Breast-ovarian cancer, familial, susceptibility to, 1. Last evaluated: 2015-10-02. Review status: criteria provided, single submitter. Criteria: CIMBA Mutation Classification guidelines May 2016. Collection method: clinical testing. Allele origin: germline.

Brotman Baty Institute, University of Washington
No classification provided (evidence only). Condition: Breast-ovarian cancer, familial 1. Review status: no classification provided. Collection method: in vitro. Allele origin: not applicable. Functional consequence: functionally_abnormal. Not counted in ClinVar's aggregate classification.
ClinVar note: "not provided" was previously submitted as the classification for the variant. However, the classification appeared to be based only on an observation of functional data so it was converted to no classification on 2025-07-30.

Literature cited by the submitters: PubMed 22843421 (cited by Labcorp Genetics (formerly Invitae), Labcorp); PubMed 21232165 (cited by Labcorp Genetics (formerly Invitae), Labcorp); PubMed 23397983 (cited by Labcorp Genetics (formerly Invitae), Labcorp); PubMed 23683081 (cited by Labcorp Genetics (formerly Invitae), Labcorp); PubMed 17262179 (cited by Labcorp Genetics (formerly Invitae), Labcorp); PubMed 15024741 (cited by Labcorp Genetics (formerly Invitae), Labcorp); PubMed 18489799 (cited by Labcorp Genetics (formerly Invitae), Labcorp); PubMed 25823446 (cited by Labcorp Genetics (formerly Invitae), Labcorp); PubMed 30209399 (cited by Labcorp Genetics (formerly Invitae), Labcorp); PubMed 22762150 (cited by Labcorp Genetics (formerly Invitae), Labcorp); PubMed 21520333 (cited by Labcorp Genetics (formerly Invitae), Labcorp).